The following is an entry in ClinVar:

NM_001370259.2(MEN1):c.1379G>C (p.Arg460Pro)

Gene: MEN1 (menin 1; minus strand). Cytogenetic location: 11q13.1.
Variant type: single nucleotide variant.
Coding change: c.1379G>C on transcript NM_001370259.2 (MANE Select); coding-DNA position 1379, G replaced by C.
Protein change: p.Arg460Pro; replaces arginine 460 with proline.
Molecular consequence: missense variant.
Genome position (GRCh38, 1-based): chr11:64,804,788, C>G on the plus strand (G>C on the coding strand, the complement: MEN1 is on the minus strand). VCF-style: chr11-64804788-C-G. GRCh37 (hg19) VCF-style: chr11-64572260-C-G.
Other names: c.1394G>C, p.Arg465Pro (NM_000244.4, NM_130800.3, NM_130801.3 and 3 more transcripts); c.1505G>C, p.Arg502Pro (NM_001370251.2); c.1379G>C, p.Arg460Pro (NM_001370260.2, NM_001370261.2, NM_130799.3); c.1274G>C, p.Arg425Pro (NM_001370262.2, NM_001370263.2); short protein forms R460P, R465P, R502P, R425P.
Identifiers: ClinVar variation 403834 (VCV000403834.15), dbSNP rs200035619, ClinGen allele CA16613450.

ClinVar aggregate classification (germline): Uncertain significance. Review status: criteria provided, multiple submitters, no conflicts (2 of 4 stars). 5 submissions from 5 submitters: Uncertain significance (5). Last evaluated 2025-11-11.

Conditions:
Hereditary cancer-predisposing syndrome. Also called: Tumor predisposition; Neoplastic Syndromes, Hereditary; Hereditary Cancer Syndrome; Hereditary neoplastic syndrome. Identifiers: Orphanet 140162, MedGen C0027672, MeSH D009386, MONDO:0015356.
Multiple endocrine neoplasia, type 1 (MEN1). Also called: MEN I; WERMER SYNDROME; Endocrine adenomatosis multiple; MEN 1; MEA I. Identifiers: Orphanet 652, MedGen C0025267, MeSH D018761, MONDO:0007540, OMIM 131100.

Submissions (5):

Ambry Genetics
Classification: Uncertain significance for Hereditary cancer-predisposing syndrome. Last evaluated: 2025-11-11. Review status: criteria provided, single submitter. Criteria: Ambry Variant Classification Scheme 2023. Collection method: clinical testing. Allele origin: germline.
Comment: The p.R460P variant (also known as c.1379G>C), located in coding exon 9 of the MEN1 gene, results from a G to C substitution at nucleotide position 1379. The arginine at codon 460 is replaced by proline, an amino acid with dissimilar properties. This amino acid position is well conserved in available vertebrate species. In addition, the in silico prediction for this alteration is inconclusive. Since supporting evidence is limited at this time, the clinical significance of this alteration remains unclear.

Color Diagnostics, LLC DBA Color Health
Classification: Uncertain significance for Multiple endocrine neoplasia, type 1. Last evaluated: 2025-06-23. Review status: criteria provided, single submitter. Criteria: ACMG Guidelines, 2015. Collection method: clinical testing. Allele origin: germline.
Comment: This missense variant replaces arginine with proline at codon 460 of the MEN1 protein. Computational prediction is inconclusive regarding the impact of this variant on protein structure and function. To our knowledge, functional studies have not been reported for this variant. This variant has not been reported in individuals affected with MEN1-related disorders in the literature. This variant has not been identified in the general population by the Genome Aggregation Database (gnomAD). The available evidence is insufficient to determine the role of this variant in disease conclusively. Therefore, this variant is classified as a Variant of Uncertain Significance.

Labcorp Genetics (formerly Invitae), Labcorp
Classification: Uncertain significance for Multiple endocrine neoplasia, type 1. Last evaluated: 2025-06-08. Review status: criteria provided, single submitter. Criteria: Invitae Variant Classification Sherloc (09022015). Collection method: clinical testing. Allele origin: germline.
Comment: This sequence change replaces arginine, which is basic and polar, with proline, which is neutral and non-polar, at codon 460 of the MEN1 protein (p.Arg460Pro). This variant is not present in population databases (gnomAD no frequency). This variant has not been reported in the literature in individuals affected with MEN1-related conditions. ClinVar contains an entry for this variant (Variation ID: 403834). Invitae Evidence Modeling of protein sequence and biophysical properties (such as structural, functional, and spatial information, amino acid conservation, physicochemical variation, residue mobility, and thermodynamic stability) indicates that this missense variant is not expected to disrupt MEN1 protein function with a negative predictive value of 95%. In summary, the available evidence is currently insufficient to determine the role of this variant in disease. Therefore, it has been classified as a Variant of Uncertain Significance.

GeneDx
Classification: Uncertain significance. Last evaluated: 2025-03-12. Review status: criteria provided, single submitter. Criteria: GeneDx Variant Classification Process June 2021. Collection method: clinical testing. Allele origin: germline. Affected: yes.
Comment: Not observed at significant frequency in large population cohorts (gnomAD); In silico analysis indicates that this missense variant does not alter protein structure/function; Has not been previously published as pathogenic or benign to our knowledge; This variant is associated with the following publications: (PMID: 11274402, 11526476)

Baylor Genetics
Classification: Uncertain significance for Multiple Endocrine Neoplasia Type 1. Last evaluated: 2024-01-18. Review status: criteria provided, single submitter. Criteria: ACMG Guidelines, 2015. Collection method: clinical testing. Allele origin: unknown.